The following is an entry in ClinVar:

NM_015450.3(POT1):c.80G>A (p.Gly27Asp)

Gene: POT1 (protection of telomeres 1; minus strand). Cytogenetic location: 7q31.33.
Variant type: single nucleotide variant.
Coding change: c.80G>A on transcript NM_015450.3 (MANE Select); coding-DNA position 80, G replaced by A.
Protein change: p.Gly27Asp; replaces glycine 27 with aspartic acid.
Molecular consequence: missense variant. On other transcripts: 5 prime UTR variant (1), non-coding transcript variant (3).
Genome position (GRCh38, 1-based): chr7:124,892,310, C>T on the plus strand (G>A on the coding strand, the complement: POT1 is on the minus strand). VCF-style: chr7-124892310-C-T. GRCh37 (hg19) VCF-style: chr7-124532364-C-T.
Other names: c.-183G>A (NM_001042594.2); short protein forms G27D.
Identifiers: ClinVar variation 3936268 (VCV003936268.1).

ClinVar aggregate classification (germline): Uncertain significance (1 of 4 stars; one submission).

Conditions:
Hereditary cancer-predisposing syndrome. Also called: Tumor predisposition; Hereditary neoplastic syndrome; Hereditary Cancer Syndrome; Neoplastic Syndromes, Hereditary. Identifiers: Orphanet 140162, MedGen C0027672, MeSH D009386, MONDO:0015356.

Submission:

Ambry Genetics
Classification: Uncertain significance for Hereditary cancer-predisposing syndrome. Last evaluated: 2025-04-01. Review status: criteria provided, single submitter. Criteria: Ambry Variant Classification Scheme 2023. Collection method: clinical testing. Allele origin: germline.
Comment: The p.G27D variant (also known as c.80G>A), located in coding exon 2 of the POT1 gene, results from a G to A substitution at nucleotide position 80. The glycine at codon 27 is replaced by aspartic acid, an amino acid with similar properties. This amino acid position is highly conserved in available vertebrate species. In addition, this alteration is predicted to be deleterious by in silico analysis. Based on the available evidence, the clinical significance of this variant remains unclear.